The following is an entry in ClinVar:

ClinVar aggregate classification (germline): Uncertain significance (1 of 4 stars; one submission).

Conditions:
Early Myoclonic Encephalopathy. Identifiers: MedGen C0270855.

gnomAD v4.1: 9 of 1,614,000 alleles (0.00056%); highest among the groups gnomAD compares: Non-Finnish European, 0.00076%; no homozygotes.

Submission:

Labcorp Genetics (formerly Invitae), Labcorp
Classification: Uncertain significance for Early Myoclonic Encephalopathy. Last evaluated: 2025-07-29. Review status: criteria provided, single submitter. Criteria: Invitae Variant Classification Sherloc (09022015). Collection method: clinical testing. Allele origin: germline.
Comment: This sequence change replaces serine, which is neutral and polar, with threonine, which is neutral and polar, at codon 1115 of the JMJD1C protein (p.Ser1115Thr). This variant is present in population databases (rs755374003, gnomAD 0.002%). This variant has not been reported in the literature in individuals affected with JMJD1C-related conditions. Invitae Evidence Modeling of protein sequence and biophysical properties (such as structural, functional, and spatial information, amino acid conservation, physicochemical variation, residue mobility, and thermodynamic stability) indicates that this missense variant is not expected to disrupt JMJD1C protein function with a negative predictive value of 80%. In summary, the available evidence is currently insufficient to determine the role of this variant in disease. Therefore, it has been classified as a Variant of Uncertain Significance.

NM_032776.3(JMJD1C):c.3343T>A (p.Ser1115Thr)

Gene: JMJD1C (jumonji domain containing 1C; minus strand). Cytogenetic location: 10q21.3.
Variant type: single nucleotide variant.
Coding change: c.3343T>A on transcript NM_032776.3 (MANE Select); coding-DNA position 3343, T replaced by A.
Protein change: p.Ser1115Thr; replaces serine 1115 with threonine.
Molecular consequence: missense variant. On other transcripts: non-coding transcript variant (1).
Genome position (GRCh38, 1-based): chr10:63,208,326, A>T on the plus strand (T>A on the coding strand, the complement: JMJD1C is on the minus strand). VCF-style: chr10-63208326-A-T. GRCh37 (hg19) VCF-style: chr10-64968086-A-T.
Other names: c.2797T>A, p.Ser933Thr (NM_001282948.2, NM_001318154.2); c.2479T>A, p.Ser827Thr (NM_001318153.2); c.3229T>A, p.Ser1077Thr (NM_001322252.2); c.2686T>A, p.Ser896Thr (NM_001322254.2, NM_001322258.2); short protein forms S1077T, S896T, S933T, S1115T, S827T.
Identifiers: ClinVar variation 4766118 (VCV004766118.1).